The following is an entry in ClinVar:

NM_000095.3(COMP):c.798_799del (p.Cys266fs)

Gene: COMP (cartilage oligomeric matrix protein; minus strand). Cytogenetic location: 19p13.11.
Variant type: Microsatellite.
Coding change: c.798_799del on transcript NM_000095.3 (MANE Select); coding-DNA positions 798 to 799, 2 bases deleted (TG; older notation c.798_799delTG).
Protein change: p.Cys266fs; shifts the reading frame from cysteine 266.
Molecular consequence: frameshift variant.
Genome position (GRCh38, 1-based): chr19:18,788,478-18,788,479, CA deleted on the plus strand (TG on the coding strand, the reverse complement: COMP is on the minus strand); deleting any 2 consecutive bases within chr19:18,788,478-18,788,481 gives the same sequence; the c. name uses the placement nearest the transcript's 3' end. VCF-style (leftmost placement, unchanged base first): chr19-18788477-CCA-C. GRCh37 (hg19) VCF-style: chr19-18899286-CCA-C.
Other names: short protein forms C266fs.
Identifiers: ClinVar variation 1372574 (VCV001372574.6), dbSNP rs2055186665, ClinGen allele CA994238529.

ClinVar aggregate classification (germline): Uncertain significance (1 of 4 stars; one submission).

Submission:

Labcorp Genetics (formerly Invitae), Labcorp
Classification: Uncertain significance. Last evaluated: 2024-11-11. Review status: criteria provided, single submitter. Criteria: Invitae Variant Classification Sherloc (09022015). Collection method: clinical testing. Allele origin: germline.
Comment: This sequence change creates a premature translational stop signal (p.Cys266Trpfs*5) in the COMP gene. It is expected to result in an absent or disrupted protein product. However, the current clinical and genetic evidence is not sufficient to establish whether loss-of-function variants in COMP cause disease. This variant is not present in population databases (gnomAD no frequency). This variant has not been reported in the literature in individuals affected with COMP-related conditions. In summary, the available evidence is currently insufficient to determine the role of this variant in disease. Therefore, it has been classified as a Variant of Uncertain Significance.